The following is an entry in ClinVar:

NM_030961.3(TRIM56):c.519C>T (p.Pro173=)

Gene: TRIM56 (tripartite motif containing 56; plus strand). Cytogenetic location: 7q22.1.
Variant type: single nucleotide variant.
Coding change: c.519C>T on transcript NM_030961.3 (MANE Select); coding-DNA position 519, C replaced by T.
Protein change: p.Pro173=; no amino-acid change (proline 173 retained).
Molecular consequence: synonymous variant.
Genome position (GRCh38, 1-based): chr7:101,087,831, C>T. VCF-style: chr7-101087831-C-T. GRCh37 (hg19) VCF-style: chr7-100731112-C-T.
Identifiers: ClinVar variation 2657853 (VCV002657853.24), dbSNP rs145410552, ClinGen allele CA4405094.
Genomic context (GRCh38, chr7:101,087,831, plus strand): 5'-GGCCGGGTGGTATGATGAGGAGGCCCGGGAGCGCCAAGCGGCCCAGTGTCCCCAGCACCC[C>T]GGGGAGGCACTGCGCTTCCTGTGCCAGCCCTGCTCACAGTTGCTGTGCAGAGAGTGCCGC-3'
Protein context (NP_112223.1, residues 163-183): ERQAAQCPQH[Pro173=]GEALRFLCQP

ClinVar aggregate classification (germline): Likely benign (1 of 4 stars; one submission).

Allele frequency attached by ClinVar (database versions not stated): ESP Exome Variant Server 0.00121; TOPMed 0.00139; ExAC 0.00144; gnomAD 0.00167; 1000 Genomes Project 0.00180; 1000 Genomes Project 30x 0.00203.
gnomAD v4.1: 2,332 of 1,603,680 alleles (0.15%); highest among the groups gnomAD compares: African/African-American, 0.2%; 3 homozygotes.

Submission:

CeGaT Center for Human Genetics Tuebingen
Classification: Likely benign. Last evaluated: 2023-02-01. Review status: criteria provided, single submitter. Criteria: CeGaT Center For Human Genetics Tuebingen Variant Classification Criteria Version 2. Collection method: clinical testing. Allele origin: germline. Affected: yes. Observed: 1 variant allele.
Comment: TRIM56: BP4, BP7